The following is an entry in ClinVar:

ClinVar aggregate classification (germline): Likely pathogenic (1 of 4 stars; one submission).

Allele frequency attached by ClinVar (database versions not stated): gnomAD exomes below 0.00001.
gnomAD v4.1: 6 of 1,612,384 alleles (0.00037%); highest among the groups gnomAD compares: Non-Finnish European, 0.00042%; no homozygotes.

Submission:

Labcorp Genetics (formerly Invitae), Labcorp
Classification: Likely pathogenic. Last evaluated: 2022-11-29. Review status: criteria provided, single submitter. Criteria: Invitae Variant Classification Sherloc (09022015). Collection method: clinical testing. Allele origin: germline.
Comment: In summary, the currently available evidence indicates that the variant is pathogenic, but additional data are needed to prove that conclusively. Therefore, this variant has been classified as Likely Pathogenic. Advanced modeling of protein sequence and biophysical properties (such as structural, functional, and spatial information, amino acid conservation, physicochemical variation, residue mobility, and thermodynamic stability) performed at Invitae indicates that this missense variant is expected to disrupt KARS protein function. This missense change has been observed in individual(s) with KARS-related conditions (PMID: 28496994). In at least one individual the data is consistent with being in trans (on the opposite chromosome) from a pathogenic variant. It has also been observed to segregate with disease in related individuals. This variant is present in population databases (no rsID available, gnomAD 0.0009%). This sequence change replaces phenylalanine, which is neutral and non-polar, with cysteine, which is neutral and slightly polar, at codon 489 of the KARS protein (p.Phe489Cys).

Literature cited by the submitters: PubMed 28496994.

NM_005548.3(KARS1):c.1382T>G (p.Phe461Cys)

Genes: KARS1 (lysyl-tRNA synthetase 1; minus strand), LOC126862402 (CDK7 strongly-dependent group 2 enhancer GRCh37_chr16:75663368-75664567; plus strand). Cytogenetic location: 16q23.1.
Variant type: single nucleotide variant.
Coding change: c.1382T>G on transcript NM_005548.3 (MANE Select); coding-DNA position 1382, T replaced by G.
Protein change: p.Phe461Cys; replaces phenylalanine 461 with cysteine.
Molecular consequence: missense variant.
Genome position (GRCh38, 1-based): chr16:75,630,465, A>C on the plus strand (T>G on the coding strand, the complement: KARS1 is on the minus strand). VCF-style: chr16-75630465-A-C. GRCh37 (hg19) VCF-style: chr16-75664363-A-C.
Other names: c.1466T>G, p.Phe489Cys (NM_001130089.2); c.914T>G, p.Phe305Cys (NM_001378148.1); short protein forms F305C, F461C, F489C.
Identifiers: ClinVar variation 2137846 (VCV002137846.4), dbSNP rs1436436059, ClinGen allele CA396811008.